The following is an entry in ClinVar:

ClinVar aggregate classification (germline): Uncertain significance (1 of 4 stars; one submission).

Submission:

GeneDx
Classification: Uncertain significance. Last evaluated: 2026-02-05. Review status: criteria provided, single submitter. Criteria: GeneDx Variant Classification Process June 2021. Collection method: clinical testing. Allele origin: germline.
Comment: Not observed at significant frequency in large population cohorts (gnomAD); In silico analysis supports that this missense variant has a deleterious effect on protein structure/function; Has not been previously published as pathogenic or benign to our knowledge

NM_000432.4(MYL2):c.24G>T (p.Lys8Asn)

Genes: MYL2 (myosin light chain 2; minus strand), LOC114827850 (VISTA enhancer hs2149; plus strand). Cytogenetic location: 12q24.11.
Variant type: single nucleotide variant.
Coding change: c.24G>T on transcript NM_000432.4 (MANE Select); coding-DNA position 24, G replaced by T.
Protein change: p.Lys8Asn; replaces lysine 8 with asparagine.
Molecular consequence: missense variant. On other transcripts: 5 prime UTR variant (1).
Genome position (GRCh38, 1-based): chr12:110,919,173, C>A on the plus strand (G>T on the coding strand, the complement: MYL2 is on the minus strand). VCF-style: chr12-110919173-C-A. GRCh37 (hg19) VCF-style: chr12-111356977-C-A.
Other names: c.24G>T, p.Lys8Asn (NM_001406745.1); c.-34G>T (NM_001406916.1); short protein forms K8N.
Identifiers: ClinVar variation 4976299 (VCV004976299.1).